The following is an entry in ClinVar:

ClinVar aggregate classification (germline): Likely benign. Review status: criteria provided, multiple submitters, no conflicts (2 of 4 stars). 3 submissions from 3 submitters: Likely benign (3). Last evaluated 2026-02-11.

Conditions:
LAMA2-related disorder. Also called: LAMA2-related disorders; LAMA2-related condition.
LAMA2-related muscular dystrophy (LAMA2-RD). Also called: Laminin alpha 2-related dystrophy. Identifiers: MedGen C5679788, MONDO:0100228.

Allele frequency attached by ClinVar (database versions not stated): ExAC 0.00001; gnomAD 0.00001; gnomAD exomes 0.00001 and 0.00004; TOPMed 0.00001; ESP Exome Variant Server 0.00008.
gnomAD v4.1: 62 of 1,561,146 alleles (0.004%); highest among the groups gnomAD compares: Non-Finnish European, 0.0052%; no homozygotes.

Submissions (3):

PreventionGenetics, part of Exact Sciences
Classification: Likely benign for LAMA2-related condition. Last evaluated: 2026-02-11. Review status: criteria provided, single submitter. Criteria: ACMG Guidelines, 2015. Collection method: clinical testing. Allele origin: germline.
Comment: This variant is classified as likely benign based on ACMG/AMP sequence variant interpretation guidelines (Richards et al. 2015 PMID: 25741868, with internal and published modifications).

Labcorp Genetics (formerly Invitae), Labcorp
Classification: Likely benign for LAMA2-related muscular dystrophy. Last evaluated: 2025-06-03. Review status: criteria provided, single submitter. Criteria: Invitae Variant Classification Sherloc (09022015). Collection method: clinical testing. Allele origin: germline.

Blueprint Genetics
Classification: Likely benign. Last evaluated: 2019-10-08. Review status: criteria provided, single submitter. Criteria: ACMG Guidelines, 2015. Collection method: clinical testing. Allele origin: germline.

NM_000426.4(LAMA2):c.640-9A>G

Gene: LAMA2 (laminin subunit alpha 2; plus strand). Cytogenetic location: 6q22.33.
Variant type: single nucleotide variant.
Coding change: c.640-9A>G on transcript NM_000426.4 (MANE Select); 9 bases into the intron before coding-DNA position 640, A replaced by G.
Molecular consequence: intron variant.
Genome position (GRCh38, 1-based): chr6:129,143,892, A>G. VCF-style: chr6-129143892-A-G. GRCh37 (hg19) VCF-style: chr6-129465037-A-G.
Other names: c.640-9A>G (NM_000426.3, NM_001079823.2).
Identifiers: ClinVar variation 1128161 (VCV001128161.11), dbSNP rs375649338, ClinGen allele CA3992392.